The following is an entry in ClinVar:

ClinVar aggregate classification (germline): Uncertain significance (1 of 4 stars; one submission).

Conditions:
Weaver syndrome (WVS). Also called: Weaver Smith syndrome; Overgrowth syndrome with accelerated skeletal maturation, unusual facies, and camptodactyly. Identifiers: Orphanet 3447, MedGen C0265210, MONDO:0010193, OMIM 277590.

Allele frequency attached by ClinVar (database versions not stated): ExAC 0.00001.

Submission:

Labcorp Genetics (formerly Invitae), Labcorp
Classification: Uncertain significance for Weaver syndrome. Last evaluated: 2016-10-16. Review status: criteria provided, single submitter. Criteria: Invitae Variant Classification Sherloc (09022015). Collection method: clinical testing. Allele origin: germline.
Comment: In summary, this variant is a rare missense change that is not predicted to affect protein function. There is no indication that it causes disease, but the available evidence is currently insufficient to prove that conclusively. Therefore, it has been classified as a Variant of Uncertain Significance. Algorithms developed to predict the effect of missense changes on protein structure and function (SIFT, PolyPhen-2, Align-GVGD) all suggest that this variant is likely to be tolerated, but these predictions have not been confirmed by published functional studies. This sequence change replaces threonine with serine at codon 492 of the EZH2 protein (p.Thr492Ser). The threonine residue is highly conserved and there is a small physicochemical difference between threonine and serine. This variant is present in population databases (rs770006533, ExAC 0.002%) but has not been reported in the literature in individuals with a EZH2-related disease.

NM_004456.5(EZH2):c.1474A>T (p.Thr492Ser)

Gene: EZH2 (enhancer of zeste 2 polycomb repressive complex 2 subunit; minus strand). Cytogenetic location: 7q36.1.
Variant type: single nucleotide variant.
Coding change: c.1474A>T on transcript NM_004456.5 (MANE Select); coding-DNA position 1474, A replaced by T.
Protein change: p.Thr492Ser; replaces threonine 492 with serine.
Molecular consequence: missense variant.
Genome position (GRCh38, 1-based): chr7:148,816,715, T>A on the plus strand (A>T on the coding strand, the complement: EZH2 is on the minus strand). VCF-style: chr7-148816715-T-A. GRCh37 (hg19) VCF-style: chr7-148513807-T-A.
Other names: c.1459A>T, p.Thr487Ser (NM_001203247.2); c.1432A>T, p.Thr478Ser (NM_001203248.2, NM_001203249.2); c.1342A>T, p.Thr448Ser (NM_152998.3); short protein forms T492S, T448S, T478S, T487S.
Identifiers: ClinVar variation 411684 (VCV000411684.9), dbSNP rs770006533, ClinGen allele CA4547878.